The following is an entry in ClinVar:

NM_017951.5(SMPD4):c.865-25G>A

Gene: SMPD4 (sphingomyelin phosphodiesterase 4; minus strand). Cytogenetic location: 2q21.1.
Variant type: single nucleotide variant.
Coding change: c.865-25G>A on transcript NM_017951.5 (MANE Select); 25 bases into the intron before coding-DNA position 865, G replaced by A.
Molecular consequence: intron variant.
Genome position (GRCh38, 1-based): chr2:130,161,297, C>T on the plus strand (G>A on the coding strand, the complement: SMPD4 is on the minus strand). VCF-style: chr2-130161297-C-T. GRCh37 (hg19) VCF-style: chr2-130918870-C-T.
Other names: c.762+3077G>A (NM_001171083.2); c.981+3077G>A (NM_017751.4).
Identifiers: ClinVar variation 3775487 (VCV003775487.1).

ClinVar aggregate classification (germline): Uncertain significance (1 of 4 stars; one submission).

Conditions:
Neurodevelopmental disorder with microcephaly, arthrogryposis, and structural brain anomalies. Identifiers: Orphanet 664923, MedGen C5231431, MONDO:0032838, OMIM 618622.

gnomAD v4.1: 19 of 1,606,952 alleles (0.0012%); highest among the groups gnomAD compares: Middle Eastern, 0.017%; no homozygotes.

Submission:

3billion
Classification: Uncertain significance for Neurodevelopmental disorder with microcephaly, arthrogryposis, and structural brain anomalies. Last evaluated: 2023-12-02. Review status: criteria provided, single submitter. Criteria: ACMG Guidelines, 2015. Collection method: clinical testing. Allele origin: germline. Affected: yes.
Comment: The variant is observed at an extremely low frequency in the gnomAD v2.1.1 dataset (total allele frequency: 0.001%). Predicted Consequence/Location: Intron variant In silico tools predict the variant to alter splicing and produce an abnormal transcript [SpliceAI: 0.34 (>=0.2, moderate evidence for spliceogenicity)]. Therefore, this variant is classified as VUS according to the recommendation of ACMG/AMP guideline.